The following is an entry in ClinVar:

ClinVar aggregate classification (germline): Uncertain significance. Review status: criteria provided, multiple submitters, no conflicts (2 of 4 stars). 5 submissions from 5 submitters: Uncertain significance (5). Last evaluated 2025-08-11.

Conditions:
Cardiovascular phenotype. Identifiers: MedGen CN230736.
Cardiomyopathy (CMYO). Also called: Cardiomyopathies. Identifiers: Orphanet 167848, MedGen C0878544, MONDO:0004994, HP:0001638. Inheritance: Various modes of inheritance.
Hypertrophic cardiomyopathy. Also called: HYPERTROPHIC MYOCARDIOPATHY. Identifiers: Orphanet 217569, MedGen C0007194, MeSH D002312, MONDO:0005045, HP:0001639.

Allele frequency attached by ClinVar (database versions not stated): gnomAD exomes below 0.00001 and 0.00001; TOPMed below 0.00001.
gnomAD v4.1: 16 of 1,613,038 alleles (0.00099%); highest among the groups gnomAD compares: South Asian, 0.0022%; no homozygotes.

Submissions (5):

Color Diagnostics, LLC DBA Color Health
Classification: Uncertain significance for Cardiomyopathy. Last evaluated: 2025-08-11. Review status: criteria provided, single submitter. Criteria: ACMG Guidelines, 2015. Collection method: clinical testing. Allele origin: germline.
Comment: This missense variant replaces isoleucine with valine at codon 226 of the MYBPC3 protein. Computational prediction suggests that this variant may not impact protein structure and function. To our knowledge, functional studies have not been reported for this variant. This variant has not been reported in individuals affected with MYBPC3-related disorders in the literature. This variant has been identified in 1/246908 chromosomes in the general population by the Genome Aggregation Database (gnomAD). The available evidence is insufficient to determine the role of this variant in disease conclusively. Therefore, this variant is classified as a Variant of Uncertain Significance.

Labcorp Genetics (formerly Invitae), Labcorp
Classification: Uncertain significance for Hypertrophic cardiomyopathy. Last evaluated: 2024-06-07. Review status: criteria provided, single submitter. Criteria: Invitae Variant Classification Sherloc (09022015). Collection method: clinical testing. Allele origin: germline.
Comment: This sequence change replaces isoleucine, which is neutral and non-polar, with valine, which is neutral and non-polar, at codon 226 of the MYBPC3 protein (p.Ile226Val). This variant is present in population databases (no rsID available, gnomAD 0.0009%). This variant has not been reported in the literature in individuals affected with MYBPC3-related conditions. ClinVar contains an entry for this variant (Variation ID: 626784). An algorithm developed to predict the effect of missense changes on protein structure and function (PolyPhen-2) suggests that this variant is likely to be tolerated. In summary, the available evidence is currently insufficient to determine the role of this variant in disease. Therefore, it has been classified as a Variant of Uncertain Significance.

All of Us Research Program, National Institutes of Health
Classification: Uncertain significance for Hypertrophic cardiomyopathy. Last evaluated: 2023-08-15. Review status: criteria provided, single submitter. Criteria: ACMG Guidelines, 2015. Collection method: clinical testing. Allele origin: germline. Inheritance: Autosomal dominant inheritance. Observed: 1 variant allele, 1 heterozygote.
Comment: Variant of Uncertain Significance due to insufficient evidence: This missense variant is located in the Ig-like domain C1 of the MYBPC3 protein. Computational prediction tools and conservation analyses are inconclusive regarding the impact of this variant on the protein function. Computational splicing tools suggest that this variant may not impact RNA splicing. To our knowledge, functional assays have not been performed for this variant nor has this variant been reported in individuals affected with cardiovascular disorders in the literature. This variant has been identified in 1/244368 chromosomes in the general population by the Genome Aggregation Database (gnomAD). Available evidence is insufficient to determine the pathogenicity of this variant conclusively.

This study involves interpretation of variants in research participants for the purpose of population health screening. Participant phenotype was not available at the time of variant classification. Additional details can be found in publication PMID: 35346344, PMCID: PMC8962531

Ambry Genetics
Classification: Uncertain significance for Cardiovascular phenotype. Last evaluated: 2023-06-25. Review status: criteria provided, single submitter. Criteria: Ambry Variant Classification Scheme 2023. Collection method: clinical testing. Allele origin: germline.
Comment: The p.I226V variant (also known as c.676A>G), located in coding exon 6 of the MYBPC3 gene, results from an A to G substitution at nucleotide position 676. The isoleucine at codon 226 is replaced by valine, an amino acid with highly similar properties. This amino acid position is conserved. In addition, this alteration is predicted to be tolerated by in silico analysis. Since supporting evidence is limited at this time, the clinical significance of this alteration remains unclear.

CHEO Genetics Diagnostic Laboratory, Children's Hospital of Eastern Ontario
Classification: Uncertain significance for Cardiomyopathy. Last evaluated: 2017-08-04. Review status: criteria provided, single submitter. Criteria: ACMG Guidelines, 2015. Collection method: clinical testing. Allele origin: germline. Study: Canadian Open Genetics Repository.

NM_000256.3(MYBPC3):c.676A>G (p.Ile226Val)

Gene: MYBPC3 (myosin binding protein C3; minus strand). Cytogenetic location: 11p11.2.
Variant type: single nucleotide variant.
Coding change: c.676A>G on transcript NM_000256.3 (MANE Select); coding-DNA position 676, A replaced by G.
Protein change: p.Ile226Val; replaces isoleucine 226 with valine.
Molecular consequence: missense variant.
Genome position (GRCh38, 1-based): chr11:47,348,520, T>C on the plus strand (A>G on the coding strand, the complement: MYBPC3 is on the minus strand). VCF-style: chr11-47348520-T-C. GRCh37 (hg19) VCF-style: chr11-47370071-T-C.
Other names: c.676A>G, p.Ile226Val (LRG_386t1); short protein forms I226V.
Identifiers: ClinVar variation 626784 (VCV000626784.16), dbSNP rs1336201335, ClinGen allele CA380336308.